The following is an entry in ClinVar:

ClinVar aggregate classification (germline): Uncertain significance (1 of 4 stars; one submission).

Allele frequency attached by ClinVar (database versions not stated): gnomAD exomes below 0.00001.
gnomAD v4.1: 1 of 1,612,356 alleles (0.000062%); highest among the groups gnomAD compares: Non-Finnish European, 0.000085%; no homozygotes.

Submission:

Ambry Genetics
Classification: Uncertain significance. Last evaluated: 2022-05-21. Review status: criteria provided, single submitter. Criteria: Ambry Variant Classification Scheme 2023. Collection method: clinical testing. Allele origin: germline.
Comment: The p.T293I variant (also known as c.878C>T), located in coding exon 10 of the NPAT gene, results from a C to T substitution at nucleotide position 878. The threonine at codon 293 is replaced by isoleucine, an amino acid with similar properties. This amino acid position is conserved. In addition, this alteration is predicted to be tolerated by in silico analysis. Since supporting evidence is limited at this time, the clinical significance of this alteration remains unclear.

NM_002519.3(NPAT):c.878C>T (p.Thr293Ile)

Gene: NPAT (nuclear protein, coactivator of histone transcription; minus strand). Cytogenetic location: 11q22.3.
Variant type: single nucleotide variant.
Coding change: c.878C>T on transcript NM_002519.3 (MANE Select); coding-DNA position 878, C replaced by T.
Protein change: p.Thr293Ile; replaces threonine 293 with isoleucine.
Molecular consequence: missense variant.
Genome position (GRCh38, 1-based): chr11:108,185,260, G>A on the plus strand (C>T on the coding strand, the complement: NPAT is on the minus strand). VCF-style: chr11-108185260-G-A. GRCh37 (hg19) VCF-style: chr11-108055987-G-A.
Other names: c.878C>T, p.Thr293Ile (NM_001321307.1); short protein forms T293I.
Identifiers: ClinVar variation 1764659 (VCV001764659.2), dbSNP rs2496737573, ClinGen allele CA382519793.